The following is an entry in ClinVar:

NM_005159.5(ACTC1):c.521C>T (p.Pro174Leu)

Genes: GJD2-DT (GJD2 divergent transcript; plus strand), ACTC1 (actin alpha cardiac muscle 1; minus strand). Cytogenetic location: 15q14.
Variant type: single nucleotide variant.
Coding change: c.521C>T on transcript NM_005159.5 (MANE Select); coding-DNA position 521, C replaced by T.
Protein change: p.Pro174Leu; replaces proline 174 with leucine.
Molecular consequence: missense variant.
Genome position (GRCh38, 1-based): chr15:34,792,503, G>A on the plus strand (C>T on the coding strand, the complement: ACTC1 is on the minus strand). VCF-style: chr15-34792503-G-A. GRCh37 (hg19) VCF-style: chr15-35084704-G-A.
Other names: short protein forms P174L.
Identifiers: ClinVar variation 1305594 (VCV001305594.3), dbSNP rs2140430949, ClinGen allele CA391631046.

ClinVar aggregate classification (germline): Uncertain significance. Review status: criteria provided, multiple submitters, no conflicts (2 of 4 stars). 2 submissions from 2 submitters: Uncertain significance (2). Last evaluated 2025-06-29.

Conditions:
Dilated cardiomyopathy 1R (CMD1R). Identifiers: Orphanet 154, Orphanet 54260, MedGen C3150681, MONDO:0013261, OMIM 613424.
Atrial septal defect 5 (ASD5). Identifiers: Orphanet 1478, MedGen C2748552, MONDO:0013011, OMIM 612794.
Hypertrophic cardiomyopathy 11. Also called: ACTC1-Related Familial Hypertrophic Cardiomyopathy. Identifiers: MedGen C2677506, MONDO:0012799, OMIM 612098.

Submissions (2):

Labcorp Genetics (formerly Invitae), Labcorp
Classification: Uncertain significance for Dilated cardiomyopathy 1R; Hypertrophic cardiomyopathy 11; Atrial septal defect 5. Last evaluated: 2025-06-29. Review status: criteria provided, single submitter. Criteria: Invitae Variant Classification Sherloc (09022015). Collection method: clinical testing. Allele origin: germline.
Comment: This sequence change replaces proline, which is neutral and non-polar, with leucine, which is neutral and non-polar, at codon 174 of the ACTC1 protein (p.Pro174Leu). This variant is not present in population databases (gnomAD no frequency). This variant has not been reported in the literature in individuals affected with ACTC1-related conditions. ClinVar contains an entry for this variant (Variation ID: 1305594). Invitae Evidence Modeling of protein sequence and biophysical properties (such as structural, functional, and spatial information, amino acid conservation, physicochemical variation, residue mobility, and thermodynamic stability) indicates that this missense variant is not expected to disrupt ACTC1 protein function with a negative predictive value of 80%. In summary, the available evidence is currently insufficient to determine the role of this variant in disease. Therefore, it has been classified as a Variant of Uncertain Significance.

GeneDx
Classification: Uncertain significance. Last evaluated: 2019-02-11. Review status: criteria provided, single submitter. Criteria: GeneDx Variant Classification Process June 2021. Collection method: clinical testing. Allele origin: germline. Affected: yes.
Comment: Not observed in large population cohorts (Lek et al., 2016); In silico analysis, which includes protein predictors and evolutionary conservation, supports a deleterious effect; Has not been previously published as pathogenic or benign to our knowledge